The following is an entry in ClinVar:

ClinVar aggregate classification (germline): Uncertain significance (1 of 4 stars; one submission).

Conditions:
Hereditary cancer-predisposing syndrome. Also called: Neoplastic Syndromes, Hereditary; Tumor predisposition; Hereditary neoplastic syndrome; Hereditary Cancer Syndrome. Identifiers: Orphanet 140162, MedGen C0027672, MeSH D009386, MONDO:0015356.

Submission:

Ambry Genetics
Classification: Uncertain significance for Hereditary cancer-predisposing syndrome. Last evaluated: 2023-12-07. Review status: criteria provided, single submitter. Criteria: Ambry Variant Classification Scheme 2023. Collection method: clinical testing. Allele origin: germline.
Comment: The p.D1396N variant (also known as c.4186G>A), located in coding exon 33 of the TSC2 gene, results from a G to A substitution at nucleotide position 4186. The aspartic acid at codon 1396 is replaced by asparagine, an amino acid with highly similar properties. This amino acid position is conserved. In addition, the in silico prediction for this alteration is inconclusive. Since supporting evidence is limited at this time, the clinical significance of this alteration remains unclear.

NM_000548.5(TSC2):c.4186G>A (p.Asp1396Asn)

Gene: TSC2 (TSC complex subunit 2; plus strand). Cytogenetic location: 16p13.3.
Variant type: single nucleotide variant.
Coding change: c.4186G>A on transcript NM_000548.5 (MANE Select); coding-DNA position 4186, G replaced by A.
Protein change: p.Asp1396Asn; replaces aspartic acid 1396 with asparagine.
Molecular consequence: missense variant. On other transcripts: non-coding transcript variant (5).
Genome position (GRCh38, 1-based): chr16:2,084,408, G>A. VCF-style: chr16-2084408-G-A. GRCh37 (hg19) VCF-style: chr16-2134409-G-A.
Other names: c.3985G>A, p.Asp1329Asn (NM_001077183.3); c.4117G>A, p.Asp1373Asn (NM_001114382.3); c.3877G>A, p.Asp1293Asn (NM_001318827.2); c.3841G>A, p.Asp1281Asn (NM_001318829.2); c.3454G>A, p.Asp1152Asn (NM_001318831.2); c.4018G>A, p.Asp1340Asn (NM_001318832.2); c.3988G>A, p.Asp1330Asn (NM_001363528.2); c.4054G>A, p.Asp1352Asn (NM_001370404.1); and 26 more; short protein forms D1129N, D1130N, D1152N, D1172N, D1173N, D1176N, D1196N, D1280N.
Identifiers: ClinVar variation 3232164 (VCV003232164.1), dbSNP rs2151526594, ClinGen allele CA394299824.